The following is an entry in ClinVar:

ClinVar aggregate classification (germline): Uncertain significance (1 of 4 stars; one submission).

Submission:

Ambry Genetics
Classification: Uncertain significance. Last evaluated: 2024-12-17. Review status: criteria provided, single submitter. Criteria: Ambry Variant Classification Scheme 2023. Collection method: clinical testing. Allele origin: germline.
Comment: The p.A67T variant (also known as c.199G>A), located in coding exon 1 of the ATRIP gene, results from a G to A substitution at nucleotide position 199. The alanine at codon 67 is replaced by threonine, an amino acid with similar properties. This amino acid position is highly conserved in available vertebrate species. In addition, the in silico prediction for this alteration is inconclusive. The evidence for this gene-disease relationship is limited; therefore, the clinical significance of this alteration is unclear.

NM_130384.3(ATRIP):c.199G>A (p.Ala67Thr)

Genes: ATRIP (ATR interacting protein; plus strand), ATRIP-TREX1 (ATRIP-TREX1 readthrough; plus strand). Cytogenetic location: 3p21.31.
Variant type: single nucleotide variant.
Coding change: c.199G>A on transcript NM_130384.3 (MANE Select); coding-DNA position 199, G replaced by A.
Protein change: p.Ala67Thr; replaces alanine 67 with threonine.
Molecular consequence: missense variant. On other transcripts: non-coding transcript variant (1), intron variant (1).
Genome position (GRCh38, 1-based): chr3:48,447,044, G>A. VCF-style: chr3-48447044-G-A. GRCh37 (hg19) VCF-style: chr3-48488448-G-A.
Other names: c.199G>A, p.Ala67Thr (NM_032166.4); c.-218+245G>A (NM_001271022.2); short protein forms A67T.
Identifiers: ClinVar variation 3808830 (VCV003808830.1).